The following is an entry in ClinVar:

ClinVar aggregate classification (germline): Likely pathogenic (1 of 4 stars; one submission).

Conditions:
Alkaptonuria (AKU). Also called: Alcaptonuria; HOMOGENTISIC ACID OXIDASE DEFICIENCY; Alkaptonuric ochronosis; Homogentisic acidura. Identifiers: Orphanet 56, MedGen C0002066, MONDO:0008753, OMIM 203500.

Submission:

Myriad Genetics, Inc.
Classification: Likely pathogenic for Alkaptonuria. Last evaluated: 2022-02-25. Review status: criteria provided, single submitter. Criteria: Myriad Women's Health Autosomal Recessive and X-Linked Classification Criteria (2021). Collection method: clinical testing. Allele origin: unknown.
Comment: NM_000187.3(HGD):c.824delA(Y275Sfs*5) is expected to be pathogenic in the context of alkaptonuria. This variant is predicted to lead to an abnormal or absent protein product due to the creation of a premature termination codon in HGD, a gene where loss-of-function variants are known to be pathogenic. Please note: this variant was assessed in the context of healthy population screening.

NM_000187.4(HGD):c.824del (p.Tyr275fs)

Gene: HGD (homogentisate 1,2-dioxygenase; minus strand). Cytogenetic location: 3q13.33.
Variant type: Deletion.
Coding change: c.824del on transcript NM_000187.4 (MANE Select); coding-DNA position 824, one base deleted (A; older notation c.824delA).
Protein change: p.Tyr275fs; shifts the reading frame from tyrosine 275.
Molecular consequence: frameshift variant.
Genome position (GRCh38, 1-based): chr3:120,641,644, T deleted on the plus strand (A on the coding strand, the reverse complement: HGD is on the minus strand). VCF-style (leftmost placement, unchanged base first): chr3-120641643-GT-G. GRCh37 (hg19) VCF-style: chr3-120360490-GT-G.
Other names: short protein forms Y275fs.
Identifiers: ClinVar variation 1724707 (VCV001724707.2), dbSNP rs2472681425, ClinGen allele CA2580068599.